The following is an entry in ClinVar:

NM_014956.5(CEP164):c.2889G>C (p.Gln963His)

Gene: CEP164 (centrosomal protein 164; plus strand). Cytogenetic location: 11q23.3.
Variant type: single nucleotide variant.
Coding change: c.2889G>C on transcript NM_014956.5 (MANE Select); coding-DNA position 2889, G replaced by C.
Protein change: p.Gln963His; replaces glutamine 963 with histidine.
Molecular consequence: missense variant.
Genome position (GRCh38, 1-based): chr11:117,395,167, G>C. VCF-style: chr11-117395167-G-C. GRCh37 (hg19) VCF-style: chr11-117265883-G-C.
Other names: c.2898G>C, p.Gln966His (NM_001271933.2); short protein forms Q963H, Q966H.
Identifiers: ClinVar variation 2123490 (VCV002123490.4), dbSNP rs2045277340, ClinGen allele CA382730461.

ClinVar aggregate classification (germline): Uncertain significance (1 of 4 stars; one submission).

Conditions:
Nephronophthisis 15 (NPHP15). Identifiers: Orphanet 3156, MedGen C3541853, MONDO:0013917, OMIM 614845.

Submission:

Labcorp Genetics (formerly Invitae), Labcorp
Classification: Uncertain significance for Nephronophthisis 15. Last evaluated: 2022-04-09. Review status: criteria provided, single submitter. Criteria: Invitae Variant Classification Sherloc (09022015). Collection method: clinical testing. Allele origin: germline.
Comment: In summary, the available evidence is currently insufficient to determine the role of this variant in disease. Therefore, it has been classified as a Variant of Uncertain Significance. Algorithms developed to predict the effect of sequence changes on RNA splicing suggest that this variant may create or strengthen a splice site. Algorithms developed to predict the effect of missense changes on protein structure and function are either unavailable or do not agree on the potential impact of this missense change (SIFT: "Deleterious"; PolyPhen-2: "Probably Damaging"; Align-GVGD: "Class C0"). This variant has not been reported in the literature in individuals affected with CEP164-related conditions. This variant is not present in population databases (gnomAD no frequency). This sequence change replaces glutamine, which is neutral and polar, with histidine, which is basic and polar, at codon 963 of the CEP164 protein (p.Gln963His).